The following is an entry in ClinVar:

NM_007294.4(BRCA1):c.442-1_547+2del

Gene: BRCA1 (BRCA1 DNA repair associated; minus strand). Cytogenetic location: 17q21.31.
Variant type: Deletion.
Coding change: c.442-1_547+2del on transcript NM_007294.4 (MANE Select); the canonical splice acceptor site of the intron before coding-DNA position 442 through the canonical splice donor site of the intron after coding-DNA position 547, 109 bases deleted.
Molecular consequence: splice acceptor variant, splice donor variant. On other transcripts: intron variant (2).
Genome position (GRCh38, 1-based): chr17:43,099,773-43,099,881, 109 bases deleted. GRCh37 (hg19): chr17:41,251,790-41,251,898.
Other names: c.301-1_406+2del (NM_001408458.1, NM_001407922.1, NM_001408469.1 and 61 more transcripts); c.-218-5021_-218-4913del (NM_001407967.1, NM_001407966.1); c.61-1_166+2del (NM_001407959.1, NM_001408512.1, NM_001408510.1 and 3 more transcripts); c.301-4_403+2del (NM_001407931.1, NM_001407747.1, NM_001408470.1 and 35 more transcripts); c.61-4_163+2del (NM_001407962.1); c.232-1_337+2del (NM_001407885.1, NM_001407886.1, NM_001407881.1 and 37 more transcripts); c.442-4_544+2del (NM_001407686.1, NM_001408397.1, NM_001407632.1 and 65 more transcripts); c.442-1_547+2del (NM_001408436.1, NM_001407665.1, NM_001407980.1 and 96 more transcripts); and 5 more.
Identifiers: ClinVar variation 1050717 (VCV001050717.2), dbSNP rs2154527880, ClinGen allele CA2499224599.

ClinVar aggregate classification (germline): Pathogenic (0 of 4 stars; one submission).

Submission:

Department of Pathology and Laboratory Medicine, Sinai Health System
Classification: Pathogenic. Review status: no assertion criteria provided. Collection method: clinical testing. Allele origin: unknown. Affected: yes. Study: The Canadian Open Genetics Repository (COGR).
Comment: The BRCA1 c.442-?_547+?del variant (chr:17 g.41251792_41251897del GRCh37) results in a deletion of exon 7, although the precise breakpoints of this deletion were not determined, nor were the effects of this variant on the resulting mRNA or protein product determined. The BRCA1 p.Gln148Aspfs*51 variant was identified in 4 of 4884 proband chromosomes (frequency: 0.0008) from individuals or families with breast or ovarian cancer (Engert 2008, Hogervorst 2003, Schrader 2012). The variant was not identified in dbSNP, GeneInsight-COGR, Cosmic, LOVD 3.0, UMD-LSDB, BIC Database, ARUP Laboratories, or Zhejiang University, databases. The variant was not identified in the following control databases: the Exome Aggregation Consortium (August 8th 2016), or the Genome Aggregation Database (Feb 27, 2017). The c.442-?_547+?del variant is predicted to cause a frameshift, which alters the protein's amino acid sequence beginning at codon 148 and leads to a premature stop codon at position 198. This alteration is then predicted to result in a truncated or absent protein and loss of function. Loss of function variants of the BRCA1 gene are an established mechanism of disease in BRCA1 associated cancers and is the type of variant expected to cause the disorder. In addition, RNA cDNA analysis confirmed the skipping of exon 8, leading to a frameshift and protein truncation (Engert 2008). In summary, based on the above information this variant meets our laboratoryâ€šÃ„Ã´s criteria to be classified as pathogenic.